The following is an entry in ClinVar:

ClinVar aggregate classification (germline): Benign. Review status: criteria provided, multiple submitters, no conflicts (2 of 4 stars). 2 submissions from 2 submitters: Benign (2). Last evaluated 2018-06-14.

Allele frequency attached by ClinVar (database versions not stated): 1000 Genomes Project 0.73263; 1000 Genomes Project 30x 0.74094; TOPMed 0.75515; gnomAD 0.75582.
gnomAD v4.1: 419,066 of 586,760 alleles (71%); highest among the groups gnomAD compares: African/African-American, 87%; 150,882 homozygotes.

Submissions (2):

GeneDx
Classification: Benign. Last evaluated: 2018-06-14. Review status: criteria provided, single submitter. Criteria: GeneDx Variant Classification (06012015). Collection method: clinical testing. Allele origin: germline. Affected: yes.
Comment: This variant is considered likely benign or benign based on one or more of the following criteria: it is a conservative change, it occurs at a poorly conserved position in the protein, it is predicted to be benign by multiple in silico algorithms, and/or has population frequency not consistent with disease.

Breakthrough Genomics
Classification: Benign. Review status: criteria provided, single submitter. Criteria: ACMG Guidelines, 2015. Collection method: not provided. Allele origin: germline. Inheritance: Autosomal dominant inheritance. Affected: yes.

NM_006258.4(PRKG1):c.762+146G>A

Gene: PRKG1 (protein kinase cGMP-dependent 1; plus strand). Cytogenetic location: 10q21.1.
Variant type: single nucleotide variant.
Coding change: c.762+146G>A on transcript NM_006258.4 (MANE Select); 146 bases into the intron after coding-DNA position 762, G replaced by A.
Molecular consequence: intron variant.
Genome position (GRCh38, 1-based): chr10:51,907,716, G>A. VCF-style: chr10-51907716-G-A. GRCh37 (hg19) VCF-style: chr10-53667476-G-A.
Other names: c.717+146G>A (NM_001098512.3).
Identifiers: ClinVar variation 674712 (VCV000674712.2), dbSNP rs7081919, ClinGen allele CA16389010.